The following is an entry in ClinVar:

NM_001130987.2(DYSF):c.5174+8G>A

Gene: DYSF (dysferlin; plus strand). Cytogenetic location: 2p13.2.
Variant type: single nucleotide variant.
Coding change: c.5174+8G>A on transcript NM_001130987.2 (MANE Select); 8 bases into the intron after coding-DNA position 5174, G replaced by A.
Molecular consequence: intron variant.
Genome position (GRCh38, 1-based): chr2:71,664,446, G>A. VCF-style: chr2-71664446-G-A. GRCh37 (hg19) VCF-style: chr2-71891576-G-A.
Other names: c.5150+8G>A (NM_001130979.2); c.5171+8G>A (NM_001130981.2); c.5108+8G>A (NM_001130980.2); c.5120+8G>A (NM_001130978.2); c.5057+8G>A (NM_003494.4); c.5078+8G>A (NM_001130977.2); c.5015+8G>A (NM_001130976.2); c.5153+8G>A (NM_001130982.2); and 5 more.
Identifiers: ClinVar variation 798807 (VCV000798807.11), dbSNP rs1573054048, ClinGen allele CA915944033.

ClinVar aggregate classification (germline): Likely benign. Review status: criteria provided, single submitter (1 of 4 stars). 3 submissions from 3 submitters: Likely benign (1). 2 of the submissions do not count toward it. Last evaluated 2025-12-11.

Conditions:
Neuromuscular disease caused by qualitative or quantitative defects of dysferlin. Also called: Dysferlinopathy; Qualitative or quantitative defects of dysferlin. Identifiers: Orphanet 207073, MedGen C2931687, MONDO:0016145.
Autosomal recessive limb-girdle muscular dystrophy type 2B (LGMDR2). Also called: MUSCULAR DYSTROPHY, LIMB-GIRDLE, TYPE 3; Limb-girdle muscular dystrophy, type 2B; MUSCULAR DYSTROPHY, LIMB-GIRDLE, AUTOSOMAL RECESSIVE 2; Limb-Girdle Muscular Dystrophy Type 2B (LGMD2B). Identifiers: Orphanet 268, MedGen C1850889, MONDO:0009676, OMIM 253601.
DYSF-related disorder. Also called: DYSF-related condition; DYSF-related disorders.

Submissions (3):

Labcorp Genetics (formerly Invitae), Labcorp
Classification: Likely benign for Neuromuscular disease caused by qualitative or quantitative defects of dysferlin. Last evaluated: 2025-12-11. Review status: criteria provided, single submitter. Criteria: Invitae Variant Classification Sherloc (09022015). Collection method: clinical testing. Allele origin: germline.

PreventionGenetics, part of Exact Sciences
Classification: Likely benign for DYSF-related condition. Last evaluated: 2021-10-13. Review status: no assertion criteria provided. Collection method: clinical testing. Allele origin: germline. Not counted in ClinVar's aggregate classification.
Comment: This variant is classified as likely benign based on ACMG/AMP sequence variant interpretation guidelines (Richards et al. 2015 PMID: 25741868, with internal and published modifications).

Natera, Inc.
Classification: Likely benign for Limb-girdle muscular dystrophy type 2B. Last evaluated: 2020-12-21. Review status: no assertion criteria provided. Collection method: clinical testing. Allele origin: germline. Not counted in ClinVar's aggregate classification.